The following is an entry in ClinVar:

ClinVar aggregate classification (germline): Uncertain significance (1 of 4 stars; one submission).

Submission:

Labcorp Genetics (formerly Invitae), Labcorp
Classification: Uncertain significance. Last evaluated: 2023-03-27. Review status: criteria provided, single submitter. Criteria: Invitae Variant Classification Sherloc (09022015). Collection method: clinical testing. Allele origin: germline.
Comment: In summary, the available evidence is currently insufficient to determine the role of this variant in disease. Therefore, it has been classified as a Variant of Uncertain Significance. This sequence change replaces arginine, which is basic and polar, with glutamine, which is neutral and polar, at codon 596 of the ASXL1 protein (p.Arg596Gln). This variant is not present in population databases (gnomAD no frequency). This variant has not been reported in the literature in individuals affected with ASXL1-related conditions. An algorithm developed to predict the effect of missense changes on protein structure and function (PolyPhen-2) suggests that this variant is likely to be disruptive.

NM_015338.6(ASXL1):c.1787G>A (p.Arg596Gln)

Gene: ASXL1 (ASXL transcriptional regulator 1; plus strand). Cytogenetic location: 20q11.21.
Variant type: single nucleotide variant.
Coding change: c.1787G>A on transcript NM_015338.6 (MANE Select); coding-DNA position 1787, G replaced by A.
Protein change: p.Arg596Gln; replaces arginine 596 with glutamine.
Molecular consequence: missense variant.
Genome position (GRCh38, 1-based): chr20:32,434,499, G>A. VCF-style: chr20-32434499-G-A. GRCh37 (hg19) VCF-style: chr20-31022302-G-A.
Other names: c.1604G>A, p.Arg535Gln (NM_001363734.1); short protein forms R596Q, R535Q.
Identifiers: ClinVar variation 3010233 (VCV003010233.3), dbSNP rs2145356784, ClinGen allele CA408557924.